The following is an entry in ClinVar:

NM_001122681.2(SH3BP2):c.1030C>T (p.Pro344Ser)

Gene: SH3BP2 (SH3 domain binding protein 2; plus strand). Cytogenetic location: 4p16.3.
Variant type: single nucleotide variant.
Coding change: c.1030C>T on transcript NM_001122681.2 (MANE Select); coding-DNA position 1030, C replaced by T.
Protein change: p.Pro344Ser; replaces proline 344 with serine.
Molecular consequence: missense variant.
Genome position (GRCh38, 1-based): chr4:2,829,936, C>T. VCF-style: chr4-2829936-C-T. GRCh37 (hg19) VCF-style: chr4-2831663-C-T.
Other names: c.1114C>T, p.Pro372Ser (NM_001145855.2); c.1201C>T, p.Pro401Ser (NM_001145856.2); c.1030C>T, p.Pro344Ser (NM_003023.4); short protein forms P344S, P372S, P401S.
Identifiers: ClinVar variation 3664779 (VCV003664779.2).

ClinVar aggregate classification (germline): Uncertain significance (1 of 4 stars; one submission).

Conditions:
Fibrous dysplasia of jaw (CRBM). Also called: Cherubism. Identifiers: Orphanet 184, MedGen C0008029, MONDO:0007315, OMIM 118400.

gnomAD v4.1: 1 of 1,613,590 alleles (0.000062%); highest among the groups gnomAD compares: Non-Finnish European, 0.000085%; no homozygotes.

Submission:

Labcorp Genetics (formerly Invitae), Labcorp
Classification: Uncertain significance for Fibrous dysplasia of jaw. Last evaluated: 2024-11-06. Review status: criteria provided, single submitter. Criteria: Invitae Variant Classification Sherloc (09022015). Collection method: clinical testing. Allele origin: germline.
Comment: This sequence change replaces proline, which is neutral and non-polar, with serine, which is neutral and polar, at codon 344 of the SH3BP2 protein (p.Pro344Ser). This variant is not present in population databases (gnomAD no frequency). This variant has not been reported in the literature in individuals affected with SH3BP2-related conditions. Invitae Evidence Modeling of protein sequence and biophysical properties (such as structural, functional, and spatial information, amino acid conservation, physicochemical variation, residue mobility, and thermodynamic stability) indicates that this missense variant is not expected to disrupt SH3BP2 protein function with a negative predictive value of 95%. In summary, the available evidence is currently insufficient to determine the role of this variant in disease. Therefore, it has been classified as a Variant of Uncertain Significance.